The following is an entry in ClinVar:

ClinVar aggregate classification (germline): Conflicting classifications of pathogenicity. Review status: criteria provided, conflicting classifications (1 of 4 stars). 2 submissions from 2 submitters: Uncertain significance (1); Likely benign (1). Last evaluated 2024-03-06.

Conditions:
Hereditary cancer-predisposing syndrome. Also called: Tumor predisposition; Neoplastic Syndromes, Hereditary; Hereditary neoplastic syndrome; Hereditary Cancer Syndrome. Identifiers: Orphanet 140162, MedGen C0027672, MeSH D009386, MONDO:0015356.

Submissions (2):

Color Diagnostics, LLC DBA Color Health
Classification: Uncertain significance for Hereditary cancer-predisposing syndrome. Last evaluated: 2024-03-06. Review status: criteria provided, single submitter. Criteria: ACMG Guidelines, 2015. Collection method: clinical testing. Allele origin: germline.
Comment: This missense variant replaces asparagine with lysine at codon 433 of the BRCA2 protein. Computational prediction suggests that this variant may not impact protein structure and function (internally defined REVEL score threshold <= 0.5, PMID: 27666373). To our knowledge, functional studies have not been reported for this variant. This variant has not been reported in individuals affected with hereditary cancer in the literature. This variant has not been identified in the general population by the Genome Aggregation Database (gnomAD). The available evidence is insufficient to determine the role of this variant in disease conclusively. Therefore, this variant is classified as a Variant of Uncertain Significance.

University of Washington Department of Laboratory Medicine, University of Washington
Classification: Likely benign for Hereditary cancer-predisposing syndrome. Last evaluated: 2023-03-23. Review status: criteria provided, single submitter. Criteria: Dines et al. (Genet Med. 2020). Collection method: curation. Allele origin: germline.
Comment: Missense variant in a coldspot region where missense variants are very unlikely to be pathogenic (PMID:31911673).

BRCA2 exon 10 coldspot. Reclassification based on statistical prior probability.

NM_000059.4(BRCA2):c.1299C>G (p.Asn433Lys)

Gene: BRCA2 (BRCA2 DNA repair associated; plus strand). Cytogenetic location: 13q13.1.
Variant type: single nucleotide variant.
Coding change: c.1299C>G on transcript NM_000059.4 (MANE Select); coding-DNA position 1299, C replaced by G.
Protein change: p.Asn433Lys; replaces asparagine 433 with lysine.
Molecular consequence: missense variant.
Genome position (GRCh38, 1-based): chr13:32,332,777, C>G. VCF-style: chr13-32332777-C-G. GRCh37 (hg19) VCF-style: chr13-32906914-C-G.
Other names: short protein forms N433K.
Identifiers: ClinVar variation 630986 (VCV000630986.7), dbSNP rs548313038, ClinGen allele CA387762524.